The following is an entry in ClinVar:

NC_000001.10:g.(?_103444244)_(103444489_?)del

Gene: COL11A1 (collagen type XI alpha 1 chain; minus strand). Cytogenetic location: 1p21.1.
Variant type: Deletion.
Identifiers: ClinVar variation 3247921 (VCV003247921.1).

ClinVar aggregate classification (germline): Pathogenic (1 of 4 stars; one submission).

Submission:

Labcorp Genetics (formerly Invitae), Labcorp
Classification: Pathogenic. Last evaluated: 2023-03-08. Review status: criteria provided, single submitter. Criteria: Invitae Variant Classification Sherloc (09022015). Collection method: clinical testing. Allele origin: unknown.
Comment: For these reasons, this variant has been classified as Pathogenic. This variant disrupts a region of the COL11A1 protein in which other variant(s) (p.Gln921_Pro926del) have been determined to be pathogenic (PMID: 10486316, 17236192; Invitae). This suggests that this is a clinically significant region of the protein, and that variants that disrupt it are likely to be disease-causing. This variant has not been reported in the literature in individuals affected with COL11A1-related conditions. This variant is a gross deletion of the genomic region encompassing exon(s) 34-35 of the COL11A1 gene. This variant would be expected to be in-frame, preserving the integrity of the reading frame.

Literature cited by the submitters: PubMed 10486316; PubMed 17236192.